The following is an entry in ClinVar:

ClinVar aggregate classification (germline): Pathogenic. Review status: criteria provided, multiple submitters, no conflicts (2 of 4 stars). 2 submissions from 2 submitters: Pathogenic (2). Last evaluated 2024-08-31.

Conditions:
Oligodontia-cancer predisposition syndrome. Also called: TOOTH AGENESIS-COLORECTAL CANCER SYNDROME. Identifiers: Orphanet 300576, MedGen C1837750, MONDO:0012075, OMIM 608615. Disease mechanism: loss of function.
Hereditary cancer-predisposing syndrome. Also called: Hereditary neoplastic syndrome; Tumor predisposition; Neoplastic Syndromes, Hereditary; Hereditary Cancer Syndrome. Identifiers: Orphanet 140162, MedGen C0027672, MeSH D009386, MONDO:0015356.

Submissions (2):

Labcorp Genetics (formerly Invitae), Labcorp
Classification: Pathogenic for Oligodontia-cancer predisposition syndrome. Last evaluated: 2024-08-31. Review status: criteria provided, single submitter. Criteria: Invitae Variant Classification Sherloc (09022015). Collection method: clinical testing. Allele origin: germline.
Comment: This sequence change creates a premature translational stop signal (p.Leu255Glufs*13) in the AXIN2 gene. It is expected to result in an absent or disrupted protein product. Loss-of-function variants in AXIN2 are known to be pathogenic (PMID: 15042511, 21416598). This variant is not present in population databases (gnomAD no frequency). This variant has not been reported in the literature in individuals affected with AXIN2-related conditions. ClinVar contains an entry for this variant (Variation ID: 654706). For these reasons, this variant has been classified as Pathogenic.

Ambry Genetics
Classification: Pathogenic for Hereditary cancer-predisposing syndrome. Last evaluated: 2022-09-14. Review status: criteria provided, single submitter. Criteria: Ambry Variant Classification Scheme 2023. Collection method: clinical testing. Allele origin: germline.
Comment: The c.763_764delCT pathogenic mutation, located in coding exon 1 of the AXIN2 gene, results from a deletion of two nucleotides at nucleotide positions 763 to 764, causing a translational frameshift with a predicted alternate stop codon (p.L255Efs*13). This alteration is expected to result in loss of function by premature protein truncation or nonsense-mediated mRNA decay. As such, this alteration is interpreted as a disease-causing mutation.

Literature cited by the submitters: PubMed 15042511 (cited by Labcorp Genetics (formerly Invitae), Labcorp); PubMed 21416598 (cited by Labcorp Genetics (formerly Invitae), Labcorp).

NM_004655.4(AXIN2):c.763_764del (p.Leu255fs)

Gene: AXIN2 (axin 2; minus strand). Cytogenetic location: 17q24.1.
Variant type: Microsatellite.
Coding change: c.763_764del on transcript NM_004655.4 (MANE Select); coding-DNA positions 763 to 764, 2 bases deleted (CT; older notation c.763_764delCT).
Protein change: p.Leu255fs; shifts the reading frame from leucine 255.
Molecular consequence: frameshift variant.
Genome position (GRCh38, 1-based): chr17:65,557,857-65,557,858, AG deleted on the plus strand (CT on the coding strand, the reverse complement: AXIN2 is on the minus strand); deleting any 2 consecutive bases within chr17:65,557,857-65,557,860 gives the same sequence; the c. name uses the placement nearest the transcript's 3' end. VCF-style (leftmost placement, unchanged base first): chr17-65557856-CAG-C. GRCh37 (hg19) VCF-style: chr17-63553974-CAG-C.
Other names: c.763_764del, p.Leu255fs (NM_001363813.1); short protein forms L255fs.
Identifiers: ClinVar variation 654706 (VCV000654706.9), dbSNP rs1598118962, ClinGen allele CA915952181.